The following is an entry in ClinVar:

NM_000116.5(TAFAZZIN):c.407G>T (p.Gly136Val)

Gene: TAFAZZIN (tafazzin, phospholipid-lysophospholipid transacylase; plus strand). Cytogenetic location: Xq28.
Variant type: single nucleotide variant.
Coding change: c.407G>T on transcript NM_000116.5 (MANE Select); coding-DNA position 407, G replaced by T.
Protein change: p.Gly136Val; replaces glycine 136 with valine.
Molecular consequence: missense variant. On other transcripts: intron variant (2).
Genome position (GRCh38, 1-based): chrX:154,414,137, G>T. VCF-style: chrX-154414137-G-T. GRCh37 (hg19) VCF-style: chrX-153642474-G-T.
Other names: c.461G>T, p.Gly154Val (NM_001303465.2); c.407G>T, p.Gly136Val (NM_181312.4); c.370+570G>T (NM_181311.4, NM_181313.4); short protein forms G136V, G154V.
Identifiers: ClinVar variation 513510 (VCV000513510.3), dbSNP rs782240044, ClinGen allele CA10562336.

ClinVar aggregate classification (germline): Conflicting classifications of pathogenicity. Review status: criteria provided, conflicting classifications (1 of 4 stars). 2 submissions from 2 submitters: Uncertain significance (1); Likely benign (1). Last evaluated 2021-11-06.

Conditions:
3-Methylglutaconic aciduria type 2 (BTHS). Also called: CARDIOSKELETAL MYOPATHY WITH NEUTROPENIA AND ABNORMAL MITOCHONDRIA; Barth syndrome. Identifiers: Orphanet 111, MedGen C0574083, MONDO:0010543, OMIM 302060.

Allele frequency attached by ClinVar (database versions not stated): gnomAD exomes below 0.00001 and 0.00002; ExAC 0.00001.

Submissions (2):

Labcorp Genetics (formerly Invitae), Labcorp
Classification: Uncertain significance for 3-Methylglutaconic aciduria type 2. Last evaluated: 2021-11-06. Review status: criteria provided, single submitter. Criteria: Invitae Variant Classification Sherloc (09022015). Collection method: clinical testing. Allele origin: germline.
Comment: This sequence change replaces glycine, which is neutral and non-polar, with valine, which is neutral and non-polar, at codon 136 of the TAZ protein (p.Gly136Val). This variant is present in population databases (rs782240044, gnomAD 0.01%). This variant has not been reported in the literature in individuals affected with TAZ-related conditions. ClinVar contains an entry for this variant (Variation ID: 513510). Algorithms developed to predict the effect of missense changes on protein structure and function are either unavailable or do not agree on the potential impact of this missense change (SIFT: "Deleterious"; PolyPhen-2: "Benign"; Align-GVGD: "Class C0"). In summary, the available evidence is currently insufficient to determine the role of this variant in disease. Therefore, it has been classified as a Variant of Uncertain Significance.

GeneDx
Classification: Likely benign. Last evaluated: 2017-12-04. Review status: criteria provided, single submitter. Criteria: GeneDx Variant Classification (06012015). Collection method: clinical testing. Allele origin: germline. Affected: yes.
Comment: This variant is considered likely benign or benign based on one or more of the following criteria: it is a conservative change, it occurs at a poorly conserved position in the protein, it is predicted to be benign by multiple in silico algorithms, and/or has population frequency not consistent with disease.